The following is an entry in ClinVar:

NM_201253.3(CRB1):c.532T>C (p.Tyr178His)

Gene: CRB1 (crumbs cell polarity complex component 1; plus strand). Cytogenetic location: 1q31.3.
Variant type: single nucleotide variant.
Coding change: c.532T>C on transcript NM_201253.3 (MANE Select); coding-DNA position 532, T replaced by C.
Protein change: p.Tyr178His; replaces tyrosine 178 with histidine.
Molecular consequence: missense variant. On other transcripts: non-coding transcript variant (2).
Genome position (GRCh38, 1-based): chr1:197,328,883, T>C. VCF-style: chr1-197328883-T-C. GRCh37 (hg19) VCF-style: chr1-197298013-T-C.
Other names: c.532T>C, p.Tyr178His (NM_001193640.2, NM_001257966.2); c.325T>C, p.Tyr109His (NM_001257965.2); short protein forms Y109H, Y178H.
Identifiers: ClinVar variation 1715979 (VCV001715979.5), dbSNP rs2465031893, ClinGen allele CA344085976.

ClinVar aggregate classification (germline): Uncertain significance (1 of 4 stars; one submission).

Conditions:
Retinitis pigmentosa 12 (RP12). Also called: RP WITH OR WITHOUT PPRPE; RP WITH OR WITHOUT PRESERVED PARAARTERIOLE RETINAL PIGMENT EPITHELIUM; RETINITIS PIGMENTOSA WITH OR WITHOUT PARAARTERIOLAR PRESERVATION OF RETINAL PIGMENT EPITHELIUM. Identifiers: Orphanet 791, MedGen C1838647, MONDO:0010818, OMIM 600105.
Leber congenital amaurosis 8 (LCA8). Identifiers: Orphanet 65, MedGen C3151202, MONDO:0013453, OMIM 613835.

Submission:

Labcorp Genetics (formerly Invitae), Labcorp
Classification: Uncertain significance for Leber congenital amaurosis 8; Retinitis pigmentosa 12. Last evaluated: 2023-12-06. Review status: criteria provided, single submitter. Criteria: Invitae Variant Classification Sherloc (09022015). Collection method: clinical testing. Allele origin: germline.
Comment: This sequence change replaces tyrosine, which is neutral and polar, with histidine, which is basic and polar, at codon 178 of the CRB1 protein (p.Tyr178His). This variant is not present in population databases (gnomAD no frequency). This variant has not been reported in the literature in individuals affected with CRB1-related conditions. ClinVar contains an entry for this variant (Variation ID: 1715979). Advanced modeling of protein sequence and biophysical properties (such as structural, functional, and spatial information, amino acid conservation, physicochemical variation, residue mobility, and thermodynamic stability) performed at Invitae indicates that this missense variant is not expected to disrupt CRB1 protein function with a negative predictive value of 80%. In summary, the available evidence is currently insufficient to determine the role of this variant in disease. Therefore, it has been classified as a Variant of Uncertain Significance.